The following is an entry in ClinVar:

NM_001199138.2(NLRC4):c.182del (p.Lys61fs)

Gene: NLRC4 (NLR family CARD domain containing 4; minus strand). Cytogenetic location: 2p22.3.
Variant type: Deletion.
Coding change: c.182del on transcript NM_001199138.2 (MANE Select); coding-DNA position 182, one base deleted (A; older notation c.182delA).
Protein change: p.Lys61fs; shifts the reading frame from lysine 61.
Molecular consequence: frameshift variant.
Genome position (GRCh38, 1-based): chr2:32,252,499, T deleted on the plus strand (A on the coding strand, the reverse complement: NLRC4 is on the minus strand); the first of 5 consecutive T bases (chr2:32,252,499-32,252,503); deleting any one gives the same sequence. VCF-style (leftmost placement, unchanged base first): chr2-32252498-CT-C. GRCh37 (hg19) VCF-style: chr2-32477567-CT-C.
Other names: c.178delA, p.Lys61Argfs (NM_001199139.2, NM_001302504.2, NM_021209.5); short protein forms K61fs.
Identifiers: ClinVar variation 2923033 (VCV002923033.3), dbSNP rs1248835702, ClinGen allele CA531767634.

ClinVar aggregate classification (germline): Uncertain significance (1 of 4 stars; one submission).

Conditions:
Periodic fever-infantile enterocolitis-autoinflammatory syndrome. Also called: Autoinflammation with infantile enterocolitis. Identifiers: Orphanet 436166, MedGen C4015067, MONDO:0014472, OMIM 616050.
Familial cold autoinflammatory syndrome 4 (FCAS4). Identifiers: Orphanet 47045, Orphanet 576349, MedGen C4015276, MONDO:0014498, OMIM 616115.

Submission:

Labcorp Genetics (formerly Invitae), Labcorp
Classification: Uncertain significance for Periodic fever-infantile enterocolitis-autoinflammatory syndrome; Familial cold autoinflammatory syndrome 4. Last evaluated: 2023-10-13. Review status: criteria provided, single submitter. Criteria: Invitae Variant Classification Sherloc (09022015). Collection method: clinical testing. Allele origin: germline.
Comment: This sequence change creates a premature translational stop signal (p.Lys61Argfs*24) in the NLRC4 gene. It is expected to result in an absent or disrupted protein product. However, the current clinical and genetic evidence is not sufficient to establish whether loss-of-function variants in NLRC4 cause disease. This variant is not present in population databases (gnomAD no frequency). This variant has not been reported in the literature in individuals affected with NLRC4-related conditions. In summary, the available evidence is currently insufficient to determine the role of this variant in disease. Therefore, it has been classified as a Variant of Uncertain Significance.